The following is an entry in ClinVar:

ClinVar aggregate classification (germline): Uncertain significance (1 of 4 stars; one submission).

Conditions:
Primary ciliary dyskinesia. Also called: Ciliary dyskinesia. Identifiers: Orphanet 244, MedGen C0008780, MONDO:0016575, HP:0012265.

Submission:

Ambry Genetics
Classification: Uncertain significance for Primary ciliary dyskinesia. Last evaluated: 2026-04-09. Review status: criteria provided, single submitter. Criteria: Ambry Variant Classification Scheme 2023. Collection method: clinical testing. Allele origin: germline.
Comment: The p.T141A variant (also known as c.421A>G), located in coding exon 6 of the DNAI1 gene, results from an A to G substitution at nucleotide position 421. The threonine at codon 141 is replaced by alanine, an amino acid with similar properties. This amino acid position is conserved. In addition, this alteration is predicted to be tolerated by in silico analysis. Based on the available evidence, the clinical significance of this variant remains unclear.

NM_012144.4(DNAI1):c.421A>G (p.Thr141Ala)

Gene: DNAI1 (dynein axonemal intermediate chain 1; plus strand). Cytogenetic location: 9p13.3.
Variant type: single nucleotide variant.
Coding change: c.421A>G on transcript NM_012144.4 (MANE Select); coding-DNA position 421, A replaced by G.
Protein change: p.Thr141Ala; replaces threonine 141 with alanine.
Molecular consequence: missense variant.
Genome position (GRCh38, 1-based): chr9:34,490,044, A>G. VCF-style: chr9-34490044-A-G. GRCh37 (hg19) VCF-style: chr9-34490042-A-G.
Other names: c.433A>G, p.Thr145Ala (NM_001281428.2); short protein forms T141A, T145A.
Identifiers: ClinVar variation 4869983 (VCV004869983.1).